The following is an entry in ClinVar:

NM_007294.4(BRCA1):c.4898G>A (p.Ser1633Asn)

Gene: BRCA1 (BRCA1 DNA repair associated; minus strand). Cytogenetic location: 17q21.31.
Variant type: single nucleotide variant.
Coding change: c.4898G>A on transcript NM_007294.4 (MANE Select); coding-DNA position 4898, G replaced by A.
Protein change: p.Ser1633Asn; replaces serine 1633 with asparagine.
Molecular consequence: missense variant. On other transcripts: non-coding transcript variant (1).
Genome position (GRCh38, 1-based): chr17:43,071,016, C>T on the plus strand (G>A on the coding strand, the complement: BRCA1 is on the minus strand). VCF-style: chr17-43071016-C-T. GRCh37 (hg19) VCF-style: chr17-41223033-C-T.
Other names: c.4511G>A, p.Ser1504Asn (NM_001407963.1); c.4436G>A, p.Ser1479Asn (NM_001407964.1); c.4391G>A, p.Ser1464Asn (NM_001407965.1); c.4010G>A, p.Ser1337Asn (NM_001407966.1); c.4007G>A, p.Ser1336Asn (NM_001407967.1); c.2294G>A, p.Ser765Asn (NM_001407968.1); c.2291G>A, p.Ser764Asn (NM_001407969.1); c.1655G>A, p.Ser552Asn (NM_001407970.1, NM_001407971.1); and 70 more; short protein forms S1633N, S1654N, S1586N, S529N, S1479N, S1505N, S1522N, S1564N.
Identifiers: ClinVar variation 865663 (VCV000865663.4), dbSNP rs2052385316, ClinGen allele CA10591730.

ClinVar aggregate classification (germline): Uncertain significance (1 of 4 stars; one submission).

Submissions (2):

GeneDx
Classification: Uncertain significance. Last evaluated: 2023-12-12. Review status: criteria provided, single submitter. Criteria: GeneDx Variant Classification Process June 2021. Collection method: clinical testing. Allele origin: germline. Affected: yes.
Comment: In silico analysis supports that this missense variant does not alter protein structure/function; Not observed at significant frequency in large population cohorts (gnomAD); Also known as 5017G>A; This variant is associated with the following publications: (PMID: 30209399, 10220405, 9974970, 11301010)

Brotman Baty Institute, University of Washington
No classification provided (evidence only). Condition: Breast-ovarian cancer, familial 1. Review status: no classification provided. Collection method: in vitro. Allele origin: not applicable. Functional consequence: functionally_normal. Not counted in ClinVar's aggregate classification.
ClinVar note: "not provided" was previously submitted as the classification for the variant. However, the classification appeared to be based only on an observation of functional data so it was converted to no classification on 2025-07-30.